The following is an entry in ClinVar:

ClinVar aggregate classification (germline): Conflicting classifications of pathogenicity. Review status: criteria provided, conflicting classifications (1 of 4 stars). 4 submissions from 4 submitters: Uncertain significance (1); Likely benign (2). 1 of the submissions does not count toward it. Last evaluated 2025-11-13.

Conditions:
COL6A1-related disorder. Also called: COL6A1-related condition.
Bethlem myopathy 1A. Also called: Bethlem myopathy 1; Bethlem Muscular Dystrophy; MYOPATHY, BENIGN CONGENITAL, WITH CONTRACTURES. Identifiers: Orphanet 610, MedGen CN029274, MONDO:0024530, OMIM 158810.

Allele frequency attached by ClinVar (database versions not stated): ExAC below 0.00001; gnomAD exomes 0.00002; gnomAD 0.00015 and 0.00016; TOPMed 0.00017.
gnomAD v4.1: 42 of 1,555,484 alleles (0.0027%); highest among the groups gnomAD compares: African/African-American, 0.055%; no homozygotes.

Submissions (4):

Labcorp Genetics (formerly Invitae), Labcorp
Classification: Likely benign for Bethlem myopathy 1A. Last evaluated: 2025-11-13. Review status: criteria provided, single submitter. Criteria: Invitae Variant Classification Sherloc (09022015). Collection method: clinical testing. Allele origin: germline.

Blueprint Genetics
Classification: Likely benign. Last evaluated: 2020-04-22. Review status: criteria provided, single submitter. Criteria: ACMG Guidelines, 2015. Collection method: clinical testing. Allele origin: germline.

Eurofins Ntd Llc (ga)
Classification: Uncertain significance. Last evaluated: 2017-09-19. Review status: criteria provided, single submitter. Criteria: EGL Classification Definitions 2015. Collection method: clinical testing. Allele origin: germline. Observed: 1 variant allele, 1 heterozygote.

PreventionGenetics, part of Exact Sciences
Classification: Likely benign for COL6A1-related condition. Last evaluated: 2022-07-07. Review status: no assertion criteria provided. Collection method: clinical testing. Allele origin: germline. Not counted in ClinVar's aggregate classification.
Comment: This variant is classified as likely benign based on ACMG/AMP sequence variant interpretation guidelines (Richards et al. 2015 PMID: 25741868, with internal and published modifications).

NM_001848.3(COL6A1):c.429-8C>T

Gene: COL6A1 (collagen type VI alpha 1 chain; plus strand). Cytogenetic location: 21q22.3.
Variant type: single nucleotide variant.
Coding change: c.429-8C>T on transcript NM_001848.3 (MANE Select); 8 bases into the intron before coding-DNA position 429, C replaced by T.
Molecular consequence: intron variant.
Genome position (GRCh38, 1-based): chr21:45,986,518, C>T. VCF-style: chr21-45986518-C-T. GRCh37 (hg19) VCF-style: chr21-47406432-C-T.
Other names: c.429-8C>T (NM_001848.2).
Identifiers: ClinVar variation 594088 (VCV000594088.15), dbSNP rs768951384, ClinGen allele CA10069584.